The following is an entry in ClinVar:

ClinVar aggregate classification (germline): Pathogenic (1 of 4 stars; one submission).

Submission:

Labcorp Genetics (formerly Invitae), Labcorp
Classification: Pathogenic. Last evaluated: 2025-01-07. Review status: criteria provided, single submitter. Criteria: Invitae Variant Classification Sherloc (09022015). Collection method: clinical testing. Allele origin: germline.
Comment: This sequence change falls in intron 10 of the PHEX gene. It does not directly change the encoded amino acid sequence of the PHEX protein. It affects a nucleotide within the consensus splice site. This variant is not present in population databases (gnomAD no frequency). This variant has been observed in individual(s) with X-linked hypophosphatemia (internal data). It has also been observed to segregate with disease in related individuals. ClinVar contains an entry for this variant (Variation ID: 2036681). Variants that disrupt the consensus splice site are a relatively common cause of aberrant splicing (PMID: 17576681, 9536098). Algorithms developed to predict the effect of sequence changes on RNA splicing suggest that this variant may disrupt the consensus splice site. This variant disrupts the c.1173+5G nucleotide in the PHEX gene. Other variant(s) that disrupt this nucleotide have been determined to be pathogenic (PMID: 30682568; internal data). This suggests that this nucleotide is clinically significant, and that variants that disrupt this position are likely to be disease-causing. For these reasons, this variant has been classified as Pathogenic.

Literature cited by the submitters: PubMed 17576681; PubMed 9536098; PubMed 30682568.

NM_000444.6(PHEX):c.1173+5G>T

Gene: PHEX (phosphate regulating endopeptidase X-linked; plus strand). Cytogenetic location: Xp22.11.
Variant type: single nucleotide variant.
Coding change: c.1173+5G>T on transcript NM_000444.6 (MANE Select); 5 bases into the intron after coding-DNA position 1173, G replaced by T.
Molecular consequence: intron variant.
Genome position (GRCh38, 1-based): chrX:22,111,565, G>T. VCF-style: chrX-22111565-G-T. GRCh37 (hg19) VCF-style: chrX-22129683-G-T.
Other names: c.1173+5G>T (NM_001282754.2).
Identifiers: ClinVar variation 2036681 (VCV002036681.4), dbSNP rs1930971527, ClinGen allele CA2580100486.